The following is an entry in ClinVar:

ClinVar aggregate classification (germline): Likely pathogenic (1 of 4 stars; one submission).

Submission:

GeneDx
Classification: Likely pathogenic. Last evaluated: 2025-08-14. Review status: criteria provided, single submitter. Criteria: GeneDx Variant Classification Process June 2021. Collection method: clinical testing. Allele origin: germline. Affected: yes.
Comment: Not observed at significant frequency in large population cohorts (gnomAD); In silico analysis suggests that this missense variant does not alter protein structure/function; Has not been previously published as pathogenic or benign to our knowledge; This variant is associated with the following publications: (PMID: 12920575, 21045959)

NM_006147.4(IRF6):c.16C>A (p.Arg6Ser)

Gene: IRF6 (interferon regulatory factor 6; minus strand). Cytogenetic location: 1q32.2.
Variant type: single nucleotide variant.
Coding change: c.16C>A on transcript NM_006147.4 (MANE Select); coding-DNA position 16, C replaced by A.
Protein change: p.Arg6Ser; replaces arginine 6 with serine.
Molecular consequence: missense variant. On other transcripts: intron variant (1).
Genome position (GRCh38, 1-based): chr1:209,801,398, G>T on the plus strand (C>A on the coding strand, the complement: IRF6 is on the minus strand). VCF-style: chr1-209801398-G-T. GRCh37 (hg19) VCF-style: chr1-209974743-G-T.
Other names: c.-112+4549C>A (NM_001206696.2); short protein forms R6S.
Identifiers: ClinVar variation 4795446 (VCV004795446.1).